The following is an entry in ClinVar:

NM_031935.3(HMCN1):c.3335C>G (p.Thr1112Ser)

Gene: HMCN1 (hemicentin 1; plus strand). Cytogenetic location: 1q31.1.
Variant type: single nucleotide variant.
Coding change: c.3335C>G on transcript NM_031935.3 (MANE Select); coding-DNA position 3335, C replaced by G.
Protein change: p.Thr1112Ser; replaces threonine 1112 with serine.
Molecular consequence: missense variant.
Genome position (GRCh38, 1-based): chr1:185,990,401, C>G. VCF-style: chr1-185990401-C-G. GRCh37 (hg19) VCF-style: chr1-185959533-C-G.
Other names: short protein forms T1112S.
Identifiers: ClinVar variation 1721918 (VCV001721918.5), dbSNP rs2527396596, ClinGen allele CA343894399.

ClinVar aggregate classification (germline): Uncertain significance (1 of 4 stars; one submission).

Submission:

Labcorp Genetics (formerly Invitae), Labcorp
Classification: Uncertain significance. Last evaluated: 2022-10-19. Review status: criteria provided, single submitter. Criteria: Invitae Variant Classification Sherloc (09022015). Collection method: clinical testing. Allele origin: germline.
Comment: In summary, the available evidence is currently insufficient to determine the role of this variant in disease. Therefore, it has been classified as a Variant of Uncertain Significance. Algorithms developed to predict the effect of missense changes on protein structure and function are either unavailable or do not agree on the potential impact of this missense change (SIFT: "Deleterious"; PolyPhen-2: "Probably Damaging"; Align-GVGD: "Class C0"). This variant has not been reported in the literature in individuals affected with HMCN1-related conditions. This variant is not present in population databases (gnomAD no frequency). This sequence change replaces threonine, which is neutral and polar, with serine, which is neutral and polar, at codon 1112 of the HMCN1 protein (p.Thr1112Ser).